The following is an entry in ClinVar:

NM_152383.5(DIS3L2):c.2261C>T (p.Thr754Ile)

Gene: DIS3L2 (DIS3 like 3'-5' exoribonuclease 2; plus strand). Cytogenetic location: 2q37.1.
Variant type: single nucleotide variant.
Coding change: c.2261C>T on transcript NM_152383.5 (MANE Select); coding-DNA position 2261, C replaced by T.
Protein change: p.Thr754Ile; replaces threonine 754 with isoleucine.
Molecular consequence: missense variant. On other transcripts: non-coding transcript variant (2), intron variant (1).
Genome position (GRCh38, 1-based): chr2:232,334,471, C>T. VCF-style: chr2-232334471-C-T. GRCh37 (hg19) VCF-style: chr2-233199181-C-T.
Other names: c.1582-8874C>T (NM_001257281.2); short protein forms T754I.
Identifiers: ClinVar variation 834320 (VCV000834320.10), dbSNP rs202022209, ClinGen allele CA66930499.

ClinVar aggregate classification (germline): Uncertain significance. Review status: criteria provided, multiple submitters, no conflicts (2 of 4 stars). 2 submissions from 2 submitters: Uncertain significance (2). Last evaluated 2025-12-15.

Conditions:
Perlman syndrome (PRLMNS). Identifiers: Orphanet 2849, MedGen C0796113, MONDO:0009965, OMIM 267000.
Inborn genetic diseases. Identifiers: MedGen C0950123, MeSH D030342.

gnomAD v4.1: 5 of 1,613,920 alleles (0.00031%); highest among the groups gnomAD compares: South Asian, 0.0033%; no homozygotes.

Submissions (2):

Ambry Genetics
Classification: Uncertain significance for Inborn genetic diseases. Last evaluated: 2025-12-15. Review status: criteria provided, single submitter. Criteria: Ambry Variant Classification Scheme 2023. Collection method: clinical testing. Allele origin: germline.

Labcorp Genetics (formerly Invitae), Labcorp
Classification: Uncertain significance for Perlman syndrome. Last evaluated: 2022-11-23. Review status: criteria provided, single submitter. Criteria: Invitae Variant Classification Sherloc (09022015). Collection method: clinical testing. Allele origin: germline.
Comment: In summary, the available evidence is currently insufficient to determine the role of this variant in disease. Therefore, it has been classified as a Variant of Uncertain Significance. Advanced modeling of protein sequence and biophysical properties (such as structural, functional, and spatial information, amino acid conservation, physicochemical variation, residue mobility, and thermodynamic stability) performed at Invitae indicates that this missense variant is not expected to disrupt DIS3L2 protein function. ClinVar contains an entry for this variant (Variation ID: 834320). This variant has not been reported in the literature in individuals affected with DIS3L2-related conditions. This variant is not present in population databases (gnomAD no frequency). This sequence change replaces threonine, which is neutral and polar, with isoleucine, which is neutral and non-polar, at codon 754 of the DIS3L2 protein (p.Thr754Ile).